The following is an entry in ClinVar:

NM_005502.4(ABCA1):c.1058C>G (p.Pro353Arg)

Gene: ABCA1 (ATP binding cassette subfamily A member 1; minus strand). Cytogenetic location: 9q31.1.
Variant type: single nucleotide variant.
Coding change: c.1058C>G on transcript NM_005502.4 (MANE Select); coding-DNA position 1058, C replaced by G.
Protein change: p.Pro353Arg; replaces proline 353 with arginine.
Molecular consequence: missense variant.
Genome position (GRCh38, 1-based): chr9:104,837,564, G>C on the plus strand (C>G on the coding strand, the complement: ABCA1 is on the minus strand). VCF-style: chr9-104837564-G-C. GRCh37 (hg19) VCF-style: chr9-107599845-G-C.
Other names: short protein forms P353R.
Identifiers: ClinVar variation 4867852 (VCV004867852.1).

ClinVar aggregate classification (germline): Uncertain significance (1 of 4 stars; one submission).

Conditions:
Cardiovascular phenotype. Identifiers: MedGen CN230736.

Submission:

Ambry Genetics
Classification: Uncertain significance for Cardiovascular phenotype. Last evaluated: 2026-03-28. Review status: criteria provided, single submitter. Criteria: Ambry Variant Classification Scheme 2023. Collection method: clinical testing. Allele origin: germline.
Comment: The p.P353R variant (also known as c.1058C>G), located in coding exon 9 of the ABCA1 gene, results from a C to G substitution at nucleotide position 1058. The proline at codon 353 is replaced by arginine, an amino acid with dissimilar properties. This amino acid position is conserved. In addition, this alteration is predicted to be deleterious by in silico analysis. Based on the available evidence, the clinical significance of this variant remains unclear.